The following is an entry in ClinVar:

ClinVar aggregate classification (germline): Uncertain significance (1 of 4 stars; one submission).

Conditions:
Hereditary cancer-predisposing syndrome. Also called: Tumor predisposition; Hereditary neoplastic syndrome; Hereditary Cancer Syndrome; Neoplastic Syndromes, Hereditary. Identifiers: Orphanet 140162, MedGen C0027672, MeSH D009386, MONDO:0015356.

Allele frequency attached by ClinVar (database versions not stated): gnomAD exomes below 0.00001.
gnomAD v4.1: 1 of 1,613,558 alleles (0.000062%); highest among the groups gnomAD compares: Non-Finnish European, 0.000085%; no homozygotes.

Submission:

Color Diagnostics, LLC DBA Color Health
Classification: Uncertain significance for Hereditary cancer-predisposing syndrome. Last evaluated: 2024-03-06. Review status: criteria provided, single submitter. Criteria: ACMG Guidelines, 2015. Collection method: clinical testing. Allele origin: germline.
Comment: This missense variant replaces histidine with tyrosine at codon 278 of the PMS2 protein. Computational prediction is inconclusive regarding the impact of this variant on protein structure and function (internally defined REVEL score threshold 0.5 < inconclusive < 0.7, PMID: 27666373). To our knowledge, functional studies have not been reported for this variant. This variant has not been reported in individuals affected with hereditary cancer in the literature. This variant has not been identified in the general population by the Genome Aggregation Database (gnomAD). The available evidence is insufficient to determine the role of this variant in disease conclusively. Therefore, this variant is classified as a Variant of Uncertain Significance.

NM_000535.7(PMS2):c.832C>T (p.His278Tyr)

Gene: PMS2 (PMS1 homolog 2, mismatch repair system component; minus strand). Cytogenetic location: 7p22.1.
Variant type: single nucleotide variant.
Coding change: c.832C>T on transcript NM_000535.7 (MANE Select); coding-DNA position 832, C replaced by T.
Protein change: p.His278Tyr; replaces histidine 278 with tyrosine.
Molecular consequence: missense variant. On other transcripts: 5 prime UTR variant (2), non-coding transcript variant (1).
Genome position (GRCh38, 1-based): chr7:5,995,605, G>A on the plus strand (C>T on the coding strand, the complement: PMS2 is on the minus strand). VCF-style: chr7-5995605-G-A. GRCh37 (hg19) VCF-style: chr7-6035236-G-A.
Other names: c.427C>T, p.His143Tyr (NM_001322003.2, NM_001322004.2, NM_001322005.2 and 2 more transcripts); c.832C>T, p.His278Tyr (NM_001322006.2, NM_001322014.2); c.514C>T, p.His172Tyr (NM_001322007.2, NM_001322008.2); c.-102C>T (NM_001322011.2, NM_001322012.2); c.259C>T, p.His87Tyr (NM_001322013.2); c.523C>T, p.His175Tyr (NM_001322015.2); short protein forms H143Y, H172Y, H175Y, H278Y, H87Y.
Identifiers: ClinVar variation 1171379 (VCV001171379.3), dbSNP rs1554300796, ClinGen allele CA366743528.
Genomic context (GRCh38, chr7:5,995,605, plus strand): 5'-CACAAGGCCGCCGGTTGATAAAGAAAAACTGTCTGTCTGTTGAACTCCTTCCAACTCCAT[G>A]CGTGCATTGTGAAATGAAACCTGAGATGCTATTCAACATTAATATGGTAAGGGCAGGATT-3'
Protein context (NP_000526.2, residues 268-288): YISGFISQCT[His278Tyr]GVGRSSTDRQ